The following is an entry in ClinVar:

NM_012186.3(FOXE3):c.906G>T (p.Gly302=)

Genes: LINC01389 (long independently transcribed non-coding RNA 1389; minus strand), FOXE3 (forkhead box E3; plus strand). Cytogenetic location: 1p33.
Variant type: single nucleotide variant.
Coding change: c.906G>T on transcript NM_012186.3 (MANE Select); coding-DNA position 906, G replaced by T.
Protein change: p.Gly302=; no amino-acid change (glycine 302 retained).
Molecular consequence: synonymous variant.
Genome position (GRCh38, 1-based): chr1:47,417,221, G>T. VCF-style: chr1-47417221-G-T. GRCh37 (hg19) VCF-style: chr1-47882893-G-T.
Identifiers: ClinVar variation 546598 (VCV000546598.44), dbSNP rs1553123685, ClinGen allele CA417892577.
Genomic context (GRCh38, chr1:47,417,221, plus strand): 5'-CGCTGAGCCCCTCCTGGCCTTGGCCGGGCCGGCAGCCGCTCTCGGCCCGCTCAGCCCTGG[G>T]GAGGCCTACCTGAGGCAGCCGGGCTTCGCGTCGGGGCTGGAGCGCTACCTGTGAGCCTGC-3'
Protein context (NP_036318.1, residues 292-312): PAAALGPLSP[Gly302=]EAYLRQPGFA

ClinVar aggregate classification (germline): Uncertain significance. Review status: criteria provided, multiple submitters, no conflicts (2 of 4 stars). 2 submissions from 2 submitters: Uncertain significance (2). Last evaluated 2025-10-25.

Conditions:
Anterior segment dysgenesis. Also called: Ocular anterior segment dysgenesis. Identifiers: Orphanet 88632, MedGen C1862839, MONDO:0019503, HP:0007700.
Congenital primary aphakia. Also called: ANTERIOR SEGMENT DYSGENESIS 2; Anterior segment dysgenesis 2, multiple subtypes. Identifiers: Orphanet 83461, MedGen C1853230, MONDO:0012456, OMIM 610256.

Submissions (2):

Labcorp Genetics (formerly Invitae), Labcorp
Classification: Uncertain significance for Anterior segment dysgenesis; Congenital primary aphakia. Last evaluated: 2025-10-25. Review status: criteria provided, single submitter. Criteria: Invitae Variant Classification Sherloc (09022015). Collection method: clinical testing. Allele origin: germline.
Comment: This sequence change affects codon 302 of the FOXE3 mRNA. It is a 'silent' change, meaning that it does not change the encoded amino acid sequence of the FOXE3 protein. This variant is not present in population databases (gnomAD no frequency). This variant has not been reported in the literature in individuals affected with FOXE3-related conditions. ClinVar contains an entry for this variant (Variation ID: 546598). In summary, the available evidence is currently insufficient to determine the role of this variant in disease. Therefore, it has been classified as a Variant of Uncertain Significance.

CeGaT Center for Human Genetics Tuebingen
Classification: Uncertain significance. Last evaluated: 2018-02-01. Review status: criteria provided, single submitter. Criteria: CeGaT Center For Human Genetics Tuebingen Variant Classification Criteria Version 2. Collection method: clinical testing. Allele origin: germline. Affected: yes. Observed: 1 variant allele.